The following is an entry in ClinVar:

NM_020693.4(DSCAML1):c.1332C>A (p.Asp444Glu)

Gene: DSCAML1 (DS cell adhesion molecule like 1; minus strand). Cytogenetic location: 11q23.3.
Variant type: single nucleotide variant.
Coding change: c.1332C>A on transcript NM_020693.4 (MANE Select); coding-DNA position 1332, C replaced by A.
Protein change: p.Asp444Glu; replaces aspartic acid 444 with glutamic acid.
Molecular consequence: missense variant.
Genome position (GRCh38, 1-based): chr11:117,518,644, G>T on the plus strand (C>A on the coding strand, the complement: DSCAML1 is on the minus strand). VCF-style: chr11-117518644-G-T. GRCh37 (hg19) VCF-style: chr11-117389359-G-T.
Other names: c.1332C>A, p.Asp444Glu (NM_001367904.1); c.924C>A, p.Asp308Glu (NM_001367905.1); short protein forms D308E, D444E.
Identifiers: ClinVar variation 2092099 (VCV002092099.4), dbSNP rs202043735, ClinGen allele CA382745855.

ClinVar aggregate classification (germline): Uncertain significance (1 of 4 stars; one submission).

gnomAD v4.1: 6 of 1,613,418 alleles (0.00037%); highest among the groups gnomAD compares: Non-Finnish European, 0.00051%; no homozygotes.

Submission:

Labcorp Genetics (formerly Invitae), Labcorp
Classification: Uncertain significance. Last evaluated: 2022-07-31. Review status: criteria provided, single submitter. Criteria: Invitae Variant Classification Sherloc (09022015). Collection method: clinical testing. Allele origin: germline.
Comment: In summary, the available evidence is currently insufficient to determine the role of this variant in disease. Therefore, it has been classified as a Variant of Uncertain Significance. Algorithms developed to predict the effect of missense changes on protein structure and function are either unavailable or do not agree on the potential impact of this missense change (SIFT: "Deleterious"; PolyPhen-2: "Probably Damaging"; Align-GVGD: "Class C0"). This variant has not been reported in the literature in individuals affected with DSCAML1-related conditions. This variant is not present in population databases (gnomAD no frequency). This sequence change replaces aspartic acid, which is acidic and polar, with glutamic acid, which is acidic and polar, at codon 504 of the DSCAML1 protein (p.Asp504Glu).